The following is an entry in ClinVar:

NM_005560.6(LAMA5):c.7356+1G>T

Gene: LAMA5 (laminin subunit alpha 5; minus strand). Cytogenetic location: 20q13.33.
Variant type: single nucleotide variant.
Coding change: c.7356+1G>T on transcript NM_005560.6 (MANE Select); the canonical splice donor site of the intron after coding-DNA position 7356, G replaced by T.
Molecular consequence: splice donor variant.
Genome position (GRCh38, 1-based): chr20:62,317,661, C>A on the plus strand (G>T on the coding strand, the complement: LAMA5 is on the minus strand). VCF-style: chr20-62317661-C-A. GRCh37 (hg19) VCF-style: chr20-60892717-C-A.
Identifiers: ClinVar variation 4883733 (VCV004883733.2).
Genomic context (GRCh38, chr20:62,317,661, plus strand): 5'-CGGGCCTGGGAGGGAGTTGGCCGTGGATGGGGTGGCGACAGGGGCCAGGGGCTGCACTCA[C>A]CTCCTTAGCCTGGTCCAGGCTGTGCAGCAATCTGAAGACGCTGGCCAGGGTGTCCCTAGC-3'

ClinVar aggregate classification (germline): Uncertain significance (1 of 4 stars; one submission).

gnomAD v4.1: 2 of 1,571,688 alleles (0.00013%); highest among the groups gnomAD compares: Non-Finnish European, 0.00017%; no homozygotes.

Submission:

Dasa
Classification: Uncertain significance. Last evaluated: 2025-03-10. Review status: criteria provided, single submitter. Criteria: DASA Assertion Criteria. Collection method: clinical testing. Allele origin: germline.
Comment: NM_005560.6(LAMA5):c.7356+1G>T affects a canonical splice site and is predicted to disrupt normal RNA splicing. This variant is rare in population databases. The currently available literature and clinical evidence are not sufficient to establish a definitive association between this variant and the reported condition. Therefore, this variant is classified as a variant of uncertain significance.